The following is an entry in ClinVar:

NM_000548.5(TSC2):c.4916G>A (p.Arg1639His)

Gene: TSC2 (TSC complex subunit 2; plus strand). Cytogenetic location: 16p13.3.
Variant type: single nucleotide variant.
Coding change: c.4916G>A on transcript NM_000548.5 (MANE Select); coding-DNA position 4916, G replaced by A.
Protein change: p.Arg1639His; replaces arginine 1639 with histidine.
Molecular consequence: missense variant.
Genome position (GRCh38, 1-based): chr16:2,086,798, G>A. VCF-style: chr16-2086798-G-A. GRCh37 (hg19) VCF-style: chr16-2136799-G-A.
Other names: c.4607G>A, p.Arg1536His (NM_001318827.2); c.4571G>A, p.Arg1524His (NM_001318829.2); c.4184G>A, p.Arg1395His (NM_001318831.2); c.4748G>A, p.Arg1583His (NM_001318832.2); c.4718G>A, p.Arg1573His (NM_001363528.2); c.4784G>A, p.Arg1595His (NM_001370404.1); c.4787G>A, p.Arg1596His (NM_001370405.1, NM_021055.3); c.4916G>A (NM_000548.4); and 2 more; short protein forms R1395H, R1524H, R1536H, R1572H, R1573H, R1583H, R1595H, R1596H.
Identifiers: ClinVar variation 1313626 (VCV001313626.17), dbSNP rs137854153, ClinGen allele CA053082.
Genomic context (GRCh38, chr16:2,086,798, plus strand): 5'-TCCACATCGCCACCCTGATGCCCACCAAGGACGTGGACAAGCACCGCTGCGACAAGAAGC[G>A]CCACCTGGGCAACGACTTTGTGTCCATTGTCTACAATGACTCCGGTGAGGACTTCAAGCT-3'
Protein context (NP_000539.2, residues 1629-1649): DVDKHRCDKK[Arg1639His]HLGNDFVSIV

ClinVar aggregate classification (germline): Uncertain significance. Review status: criteria provided, multiple submitters, no conflicts (2 of 4 stars). 6 submissions from 6 submitters: Uncertain significance (6). Last evaluated 2026-05-29.

Conditions:
Tuberous sclerosis 2 (TSC2). Identifiers: Orphanet 805, MedGen C1860707, MONDO:0013199, OMIM 613254.
TSC2-related disorder. Also called: TSC2-Related Disorders; TSC2-related condition.
Hereditary cancer-predisposing syndrome. Also called: Neoplastic Syndromes, Hereditary; Hereditary Cancer Syndrome; Tumor predisposition; Hereditary neoplastic syndrome. Identifiers: Orphanet 140162, MedGen C0027672, MeSH D009386, MONDO:0015356.

Allele frequency attached by ClinVar (database versions not stated): gnomAD exomes below 0.00001; TOPMed 0.00001.
gnomAD v4.1: 5 of 1,611,300 alleles (0.00031%); highest among the groups gnomAD compares: East Asian, 0.0022%; no homozygotes.

Submissions (6):

PreventionGenetics, part of Exact Sciences
Classification: Uncertain significance for TSC2-related condition. Last evaluated: 2026-05-29. Review status: criteria provided, single submitter. Criteria: ACMG Guidelines, 2015. Collection method: clinical testing. Allele origin: germline.
Comment: The TSC2 c.4916G>A variant is predicted to result in the amino acid substitution p.Arg1639His. To our knowledge, this variant has not been reported in the literature or in a large population database, indicating this variant is rare. This variant is interpreted as uncertain in ClinVar (Variation ID: 1313626). At this time, the clinical significance of this variant is uncertain due to the absence of conclusive functional and genetic evidence.

Labcorp Genetics (formerly Invitae), Labcorp
Classification: Uncertain significance for Tuberous sclerosis 2. Last evaluated: 2025-08-09. Review status: criteria provided, single submitter. Criteria: Invitae Variant Classification Sherloc (09022015). Collection method: clinical testing. Allele origin: germline.
Comment: This sequence change replaces arginine, which is basic and polar, with histidine, which is basic and polar, at codon 1639 of the TSC2 protein (p.Arg1639His). This variant is not present in population databases (gnomAD no frequency). This variant has not been reported in the literature in individuals affected with TSC2-related conditions. ClinVar contains an entry for this variant (Variation ID: 1313626). Invitae Evidence Modeling of protein sequence and biophysical properties (such as structural, functional, and spatial information, amino acid conservation, physicochemical variation, residue mobility, and thermodynamic stability) has been performed for this missense variant. However, the output from this modeling did not meet the statistical confidence thresholds required to predict the impact of this variant on TSC2 protein function. In summary, the available evidence is currently insufficient to determine the role of this variant in disease. Therefore, it has been classified as a Variant of Uncertain Significance.

Ambry Genetics
Classification: Uncertain significance for Hereditary cancer-predisposing syndrome. Last evaluated: 2024-10-10. Review status: criteria provided, single submitter. Criteria: Ambry Variant Classification Scheme 2023. Collection method: clinical testing. Allele origin: germline.
Comment: The p.R1639H variant (also known as c.4916G>A), located in coding exon 37 of the TSC2 gene, results from a G to A substitution at nucleotide position 4916. The arginine at codon 1639 is replaced by histidine, an amino acid with highly similar properties. This amino acid position is highly conserved in available vertebrate species. In addition, this alteration is predicted to be deleterious by in silico analysis. Based on the available evidence, the clinical significance of this variant remains unclear.

GeneDx
Classification: Uncertain significance. Last evaluated: 2024-05-14. Review status: criteria provided, single submitter. Criteria: GeneDx Variant Classification Process June 2021. Collection method: clinical testing. Allele origin: germline. Affected: yes.
Comment: Not observed at significant frequency in large population cohorts (gnomAD); In silico analysis supports that this missense variant has a deleterious effect on protein structure/function; Has not been previously published as pathogenic or benign to our knowledge; This variant is associated with the following publications: (PMID: 18466115)

Sema4
Classification: Uncertain significance for Hereditary cancer-predisposing syndrome. Last evaluated: 2021-09-09. Review status: criteria provided, single submitter. Criteria: Sema4 Curation Guidelines. Collection method: curation. Allele origin: germline.
Comment: To the best of our knowledge, the TSC2 c.4916G>A (p.R1639H) variant has not been reported in individuals with TSC2-related disease. It was not observed in the large and broad cohorts of the Genome Aggregation Database (PMID: 32461654). The variant has not been reported in ClinVar. In silico tools suggest the impact of the variant on protein function is deleterious though these predictions have not been confirmed by functional studies. The evidence is insufficient to meet ACMG/AMP criteria for classifying the variant as benign or pathogenic. Thus, the clinical significance of this variant is currently uncertain.

New York Genome Center
Classification: Uncertain significance for Tuberous sclerosis 2. Last evaluated: 2021-07-16. Review status: criteria provided, single submitter. Criteria: NYGC Assertion Criteria 2020. Collection method: clinical testing. Allele origin: inherited. Observed: 1 heterozygote. Study: CSER-NYCKidSeq.